The following is an entry in ClinVar:

NM_000268.4(NF2):c.810+23_810+25del

Gene: NF2 (NF2, moesin-ezrin-radixin like (MERLIN) tumor suppressor; plus strand). Cytogenetic location: 22q12.2.
Variant type: Deletion.
Coding change: c.810+23_810+25del on transcript NM_000268.4 (MANE Select); bases 23 to 25 of the intron after coding-DNA position 810, 3 bases deleted (ATG; older notation c.810+23_810+25delATG).
Molecular consequence: intron variant.
Genome position (GRCh38, 1-based): chr22:29,661,362-29,661,364, ATG deleted; deleting any 3 consecutive bases within chr22:29,661,361-29,661,364 gives the same sequence; the c. name uses the placement nearest the transcript's 3' end. VCF-style (leftmost placement, unchanged base first): chr22-29661360-AGAT-A. GRCh37 (hg19) VCF-style: chr22-30057349-AGAT-A.
Other names: c.810+23_810+25del (NM_016418.5, NM_181832.3, NM_181825.3); c.447+19077_447+19079del (NM_181833.3); c.687+23_687+25del (NM_181829.3); c.684+23_684+25del (NM_181828.3); c.561+23_561+25del (NM_181830.3, NM_181831.3); c.810+23_810+25delATG (NM_000268.3).
Identifiers: ClinVar variation 681582 (VCV000681582.49), dbSNP rs765519341, ClinGen allele CA10175566.

ClinVar aggregate classification (germline): Likely benign. Review status: criteria provided, multiple submitters, no conflicts (2 of 4 stars). 3 submissions from 3 submitters: Likely benign (3). Last evaluated 2022-09-06.

Conditions:
Hereditary cancer-predisposing syndrome. Also called: Tumor predisposition; Hereditary neoplastic syndrome; Neoplastic Syndromes, Hereditary; Hereditary Cancer Syndrome. Identifiers: Orphanet 140162, MedGen C0027672, MeSH D009386, MONDO:0015356.
Neurofibromatosis, type 2 (SWNV). Also called: BILATERAL ACOUSTIC NEUROFIBROMATOSIS; NF2-Related Schwannomatosis; SCHWANNOMATOSIS, VESTIBULAR. Identifiers: Orphanet 637, MedGen C0027832, MONDO:0007039, OMIM 101000. Disease mechanism: loss of function.

Submissions (3):

Labcorp Genetics (formerly Invitae), Labcorp
Classification: Likely benign for Neurofibromatosis, type 2. Last evaluated: 2022-09-06. Review status: criteria provided, single submitter. Criteria: Invitae Variant Classification Sherloc (09022015). Collection method: clinical testing. Allele origin: germline.

Sema4
Classification: Likely benign for Hereditary cancer-predisposing syndrome. Last evaluated: 2022-03-18. Review status: criteria provided, single submitter. Criteria: Sema4 Curation Guidelines. Collection method: curation. Allele origin: germline.

GeneDx
Classification: Likely benign. Last evaluated: 2018-04-15. Review status: criteria provided, single submitter. Criteria: GeneDx Variant Classification (06012015). Collection method: clinical testing. Allele origin: germline. Affected: yes.
Comment: This variant is considered likely benign or benign based on one or more of the following criteria: it is a conservative change, it occurs at a poorly conserved position in the protein, it is predicted to be benign by multiple in silico algorithms, and/or has population frequency not consistent with disease.